The following is an entry in ClinVar:

NM_000397.4(CYBB):c.1618del (p.Glu540fs)

Gene: CYBB (cytochrome b-245 beta chain; plus strand). Cytogenetic location: Xp11.4.
Variant type: Deletion.
Coding change: c.1618del on transcript NM_000397.4 (MANE Select); coding-DNA position 1618, one base deleted (G; older notation c.1618delG).
Protein change: p.Glu540fs; shifts the reading frame from glutamic acid 540.
Molecular consequence: frameshift variant.
Genome position (GRCh38, 1-based): chrX:37,810,822, G deleted. VCF-style (leftmost placement, unchanged base first): chrX-37810821-TG-T. GRCh37 (hg19) VCF-style: chrX-37670074-TG-T.
Other names: c.1618delG (NM_000397.3); short protein forms E540fs.
Identifiers: ClinVar variation 449475 (VCV000449475.3), dbSNP rs1556473078, ClinGen allele CA658658969.
Genomic context (GRCh38, chrX:37,810,821, plus strand): 5'-GAAATTGTCTTTTTTTTTCTTTCCCAAAAGTACCAGAATAGGAGTTTTCCTCTGTGGACC[TG>T]AAGCCTTGGCTGAAACCCTGAGTAAACAAAGCATCTCCAACTCTGAGTCTGGCCCTCGGG-3'

ClinVar aggregate classification (germline): Likely pathogenic. Review status: criteria provided, multiple submitters, no conflicts (2 of 4 stars). 2 submissions from 2 submitters: Likely pathogenic (2). Last evaluated 2024-04-04.

Conditions:
Granulomatous disease, chronic, X-linked. Also called: CYTOCHROME b-NEGATIVE GRANULOMATOUS DISEASE, CHRONIC, X-LINKED; GRANULOMATOUS DISEASE, CHRONIC, X-LINKED, SOMATIC MOSAIC. Identifiers: Orphanet 379, MedGen C1844376, MONDO:0010600, OMIM 306400.

Submissions (2):

Genomic Medicine Center of Excellence, King Faisal Specialist Hospital and Research Centre
Classification: Likely pathogenic for Granulomatous disease, chronic, X-linked. Last evaluated: 2024-04-04. Review status: criteria provided, single submitter. Criteria: ACMG Guidelines, 2015. Collection method: clinical testing. Allele origin: germline.

GeneDx
Classification: Likely pathogenic. Last evaluated: 2017-10-02. Review status: criteria provided, single submitter. Criteria: GeneDx Variant Classification (06012015). Collection method: clinical testing. Allele origin: germline. Affected: yes.
Comment: The c.1618delG variant in the CYBB gene has been reported previously in association with X-linked chronic granulomatous disease (Al-Muhsen et al., 2009; PÃ©rez et al., 2012; Al-Mousa et al., 2016). The deletion causes a frameshift starting with codon Glutamic acid 540, changes this amino acid to a Lysine residue and creates a premature Stop codon at position 7 of the new reading frame, denoted p.Glu540LysfsX7. This variant is predicted to cause loss of normal protein function through protein truncation, as the final 31 amino acids are replaced with 6 incorrect amino acids. In summary, we consider this variant to be likely pathogenic.